The following is an entry in ClinVar:

ClinVar aggregate classification (germline): Uncertain significance. Review status: criteria provided, multiple submitters, no conflicts (2 of 4 stars). 5 submissions from 5 submitters: Uncertain significance (5). Last evaluated 2026-01-01.

Conditions:
Familial thoracic aortic aneurysm and aortic dissection (TAAD). Also called: Thoracic aortic aneurysms and dissections. Identifiers: Orphanet 91387, MedGen C4707243, MONDO:0019625.
Aortic aneurysm, familial thoracic 7 (AAT7). Also called: AORTIC DISSECTION, FAMILIAL, WITH OR WITHOUT AORTIC ANEURYSM. Identifiers: MedGen C3151077, MONDO:0013418, OMIM 613780.
Megacystis-microcolon-intestinal hypoperistalsis syndrome 1. Identifiers: MedGen C5542316, MONDO:0100354, OMIM 249210.

Allele frequency attached by ClinVar (database versions not stated): gnomAD 0.00001; gnomAD exomes 0.00001; TOPMed 0.00001.
gnomAD v4.1: 14 of 1,613,710 alleles (0.00087%); highest among the groups gnomAD compares: Non-Finnish European, 0.0011%; no homozygotes.

Submissions (5):

CeGaT Center for Human Genetics Tuebingen
Classification: Uncertain significance. Last evaluated: 2026-01-01. Review status: criteria provided, single submitter. Criteria: CeGaT Center For Human Genetics Tuebingen Variant Classification Criteria Version 2. Collection method: clinical testing. Allele origin: germline. Affected: yes. Observed: 1 variant allele.
Comment: MYLK: PM2, BP4

Ambry Genetics
Classification: Uncertain significance for Familial thoracic aortic aneurysm and aortic dissection. Last evaluated: 2025-05-24. Review status: criteria provided, single submitter. Criteria: Ambry Variant Classification Scheme 2023. Collection method: clinical testing. Allele origin: germline.
Comment: The p.T540S variant (also known as c.1618A>T), located in coding exon 9 of the MYLK gene, results from an A to T substitution at nucleotide position 1618. The threonine at codon 540 is replaced by serine, an amino acid with similar properties. This amino acid position is conserved. In addition, this alteration is predicted to be tolerated by in silico analysis. Based on the available evidence, the clinical significance of this variant remains unclear.

Labcorp Genetics (formerly Invitae), Labcorp
Classification: Uncertain significance for Aortic aneurysm, familial thoracic 7. Last evaluated: 2023-08-27. Review status: criteria provided, single submitter. Criteria: Invitae Variant Classification Sherloc (09022015). Collection method: clinical testing. Allele origin: germline.
Comment: In summary, the available evidence is currently insufficient to determine the role of this variant in disease. Therefore, it has been classified as a Variant of Uncertain Significance. Advanced modeling of protein sequence and biophysical properties (such as structural, functional, and spatial information, amino acid conservation, physicochemical variation, residue mobility, and thermodynamic stability) performed at Invitae indicates that this missense variant is not expected to disrupt MYLK protein function. ClinVar contains an entry for this variant (Variation ID: 1417267). This variant has not been reported in the literature in individuals affected with MYLK-related conditions. This sequence change replaces threonine, which is neutral and polar, with serine, which is neutral and polar, at codon 540 of the MYLK protein (p.Thr540Ser). This variant is not present in population databases (gnomAD no frequency).

GeneDx
Classification: Uncertain significance. Last evaluated: 2023-06-05. Review status: criteria provided, single submitter. Criteria: GeneDx Variant Classification Process June 2021. Collection method: clinical testing. Allele origin: germline. Affected: yes.
Comment: Not observed at significant frequency in large population cohorts (gnomAD); In silico analysis supports that this missense variant does not alter protein structure/function; Has not been previously published as pathogenic or benign to our knowledge

Fulgent Genetics
Classification: Uncertain significance for Megacystis-microcolon-intestinal hypoperistalsis syndrome 1; Aortic aneurysm, familial thoracic 7. Last evaluated: 2021-10-12. Review status: criteria provided, single submitter. Criteria: ACMG Guidelines, 2015. Collection method: clinical testing. Allele origin: unknown.

NM_053025.4(MYLK):c.1618A>T (p.Thr540Ser)

Gene: MYLK (myosin light chain kinase; minus strand). Cytogenetic location: 3q21.1.
Variant type: single nucleotide variant.
Coding change: c.1618A>T on transcript NM_053025.4 (MANE Select); coding-DNA position 1618, A replaced by T.
Protein change: p.Thr540Ser; replaces threonine 540 with serine.
Molecular consequence: missense variant.
Genome position (GRCh38, 1-based): chr3:123,725,977, T>A on the plus strand (A>T on the coding strand, the complement: MYLK is on the minus strand). VCF-style: chr3-123725977-T-A. GRCh37 (hg19) VCF-style: chr3-123444824-T-A.
Other names: c.1090A>T, p.Thr364Ser (NM_001321309.2); c.1411A>T, p.Thr471Ser (NM_053026.4, NM_053028.4); c.1618A>T, p.Thr540Ser (NM_053027.4); c.1618A>T (NM_053025.3); short protein forms T364S, T540S, T471S.
Identifiers: ClinVar variation 1417267 (VCV001417267.15), dbSNP rs927903236, ClinGen allele CA82936574.